The following is an entry in ClinVar:

ClinVar aggregate classification (germline): Pathogenic (1 of 4 stars; one submission).

gnomAD v4.1: 7 of 1,613,888 alleles (0.00043%); highest among the groups gnomAD compares: Admixed American, 0.0033%; no homozygotes.

Submission:

Labcorp Genetics (formerly Invitae), Labcorp
Classification: Pathogenic. Last evaluated: 2025-06-15. Review status: criteria provided, single submitter. Criteria: Invitae Variant Classification Sherloc (09022015). Collection method: clinical testing. Allele origin: germline.
Comment: This sequence change creates a premature translational stop signal (p.Arg2556*) in the FAT1 gene. It is expected to result in an absent or disrupted protein product. Loss-of-function variants in FAT1 are known to be pathogenic (PMID: 30862798). This variant is present in population databases (no rsID available, gnomAD 0.003%). This variant has not been reported in the literature in individuals affected with FAT1-related conditions. For these reasons, this variant has been classified as Pathogenic.

Literature cited by the submitters: PubMed 30862798.

NM_005245.4(FAT1):c.7666C>T (p.Arg2556Ter)

Gene: FAT1 (FAT atypical cadherin 1; minus strand). Cytogenetic location: 4q35.2.
Variant type: single nucleotide variant.
Coding change: c.7666C>T on transcript NM_005245.4 (MANE Select); coding-DNA position 7666, C replaced by T.
Protein change: p.Arg2556Ter; replaces arginine 2556 with a stop codon.
Molecular consequence: nonsense.
Genome position (GRCh38, 1-based): chr4:186,618,920, G>A on the plus strand (C>T on the coding strand, the complement: FAT1 is on the minus strand). VCF-style: chr4-186618920-G-A. GRCh37 (hg19) VCF-style: chr4-187540074-G-A.
Other names: c.7666C>T, p.Arg2556Ter (NM_001440457.1, NM_001440455.1, NM_001440456.1); short protein forms R2556*.
Identifiers: ClinVar variation 4761728 (VCV004761728.1).